The following is an entry in ClinVar:

NM_032447.5(FBN3):c.1733C>T (p.Thr578Met)

Gene: FBN3 (fibrillin 3; minus strand). Cytogenetic location: 19p13.2.
Variant type: single nucleotide variant.
Coding change: c.1733C>T on transcript NM_032447.5 (MANE Select); coding-DNA position 1733, C replaced by T.
Protein change: p.Thr578Met; replaces threonine 578 with methionine.
Molecular consequence: missense variant.
Genome position (GRCh38, 1-based): chr19:8,131,811, G>A on the plus strand (C>T on the coding strand, the complement: FBN3 is on the minus strand). VCF-style: chr19-8131811-G-A. GRCh37 (hg19) VCF-style: chr19-8196695-G-A.
Other names: c.1733C>T, p.Thr578Met (NM_001321431.2); short protein forms T578M.
Identifiers: ClinVar variation 2200593 (VCV002200593.4), dbSNP rs765508615, ClinGen allele CA9153176.

ClinVar aggregate classification (germline): Uncertain significance (1 of 4 stars; one submission).

Allele frequency attached by ClinVar (database versions not stated): ExAC 0.00005; gnomAD 0.00009; TOPMed 0.00015.
gnomAD v4.1: 44 of 1,598,352 alleles (0.0028%); highest among the groups gnomAD compares: African/African-American, 0.033%; no homozygotes.

Submission:

Labcorp Genetics (formerly Invitae), Labcorp
Classification: Uncertain significance. Last evaluated: 2025-08-29. Review status: criteria provided, single submitter. Criteria: Invitae Variant Classification Sherloc (09022015). Collection method: clinical testing. Allele origin: germline.
Comment: This sequence change replaces threonine, which is neutral and polar, with methionine, which is neutral and non-polar, at codon 578 of the FBN3 protein (p.Thr578Met). This variant is present in population databases (rs765508615, gnomAD 0.05%). This variant has not been reported in the literature in individuals affected with FBN3-related conditions. ClinVar contains an entry for this variant (Variation ID: 2200593). Invitae Evidence Modeling of protein sequence and biophysical properties (such as structural, functional, and spatial information, amino acid conservation, physicochemical variation, residue mobility, and thermodynamic stability) indicates that this missense variant is not expected to disrupt FBN3 protein function with a negative predictive value of 80%. In summary, the available evidence is currently insufficient to determine the role of this variant in disease. Therefore, it has been classified as a Variant of Uncertain Significance.